The following is an entry in ClinVar:

NM_000218.3(KCNQ1):c.1439T>C (p.Met480Thr)

Genes: KCNQ1 (potassium voltage-gated channel subfamily Q member 1; plus strand), KCNQ1OT1 (KCNQ1 opposite strand/antisense transcript 1; minus strand). Cytogenetic location: 11p15.5.
Variant type: single nucleotide variant.
Coding change: c.1439T>C on transcript NM_000218.3 (MANE Select); coding-DNA position 1439, T replaced by C.
Protein change: p.Met480Thr; replaces methionine 480 with threonine.
Molecular consequence: missense variant.
Genome position (GRCh38, 1-based): chr11:2,662,006, T>C. VCF-style: chr11-2662006-T-C. GRCh37 (hg19) VCF-style: chr11-2683236-T-C.
Other names: c.1343T>C, p.Met448Thr (NM_001406836.1); c.1169T>C, p.Met390Thr (NM_001406837.1); c.899T>C, p.Met300Thr (NM_001406838.1); c.1058T>C, p.Met353Thr (NM_181798.2); short protein forms M390T, M300T, M448T, M480T, M353T.
Identifiers: ClinVar variation 1772667 (VCV001772667.8), dbSNP rs967396850, ClinGen allele CA216170771.

ClinVar aggregate classification (germline): Uncertain significance. Review status: criteria provided, multiple submitters, no conflicts (2 of 4 stars). 3 submissions from 3 submitters: Uncertain significance (3). Last evaluated 2025-07-02.

Conditions:
Cardiovascular phenotype. Identifiers: MedGen CN230736.
Long QT syndrome (LQTS). Identifiers: MedGen C0023976, MeSH D008133, MONDO:0002442. Disease mechanism: loss of function. Inheritance: Various modes of inheritance.
Cardiac arrhythmia. Also called: Arrhythmia; Cardiac rhythm disease. Identifiers: MedGen C0003811, MONDO:0007263, HP:0011675.

Allele frequency attached by ClinVar (database versions not stated): gnomAD exomes below 0.00001; gnomAD 0.00001; TOPMed 0.00001.
gnomAD v4.1: 3 of 1,611,008 alleles (0.00019%); highest among the groups gnomAD compares: East Asian, 0.0045%; no homozygotes.

Submissions (3):

Color Diagnostics, LLC DBA Color Health
Classification: Uncertain significance for Cardiac arrhythmia. Last evaluated: 2025-07-02. Review status: criteria provided, single submitter. Criteria: ACMG Guidelines, 2015. Collection method: clinical testing. Allele origin: germline.
Comment: This missense variant replaces methionine with threonine at codon 480 of the KCNQ1 protein. Computational prediction suggests that this variant may not impact protein structure and function. To our knowledge, functional studies have not been reported for this variant. This variant has been reported in an individual affected with epilepsy (PMID: 31696929). This variant has been identified in 1/251438 chromosomes in the general population by the Genome Aggregation Database (gnomAD). The available evidence is insufficient to determine the role of this variant in disease conclusively. Therefore, this variant is classified as a Variant of Uncertain Significance.

Labcorp Genetics (formerly Invitae), Labcorp
Classification: Uncertain significance for Long QT syndrome. Last evaluated: 2025-01-21. Review status: criteria provided, single submitter. Criteria: Invitae Variant Classification Sherloc (09022015). Collection method: clinical testing. Allele origin: germline.
Comment: This sequence change replaces methionine, which is neutral and non-polar, with threonine, which is neutral and polar, at codon 480 of the KCNQ1 protein (p.Met480Thr). This variant is present in population databases (no rsID available, gnomAD 0.006%). This variant has not been reported in the literature in individuals affected with KCNQ1-related conditions. ClinVar contains an entry for this variant (Variation ID: 1772667). Invitae Evidence Modeling of protein sequence and biophysical properties (such as structural, functional, and spatial information, amino acid conservation, physicochemical variation, residue mobility, and thermodynamic stability) indicates that this missense variant is not expected to disrupt KCNQ1 protein function with a negative predictive value of 95%. In summary, the available evidence is currently insufficient to determine the role of this variant in disease. Therefore, it has been classified as a Variant of Uncertain Significance.

Ambry Genetics
Classification: Uncertain significance for Cardiovascular phenotype. Last evaluated: 2024-12-06. Review status: criteria provided, single submitter. Criteria: Ambry Variant Classification Scheme 2023. Collection method: clinical testing. Allele origin: germline.
Comment: The p.M480T variant (also known as c.1439T>C), located in coding exon 11 of the KCNQ1 gene, results from a T to C substitution at nucleotide position 1439. The methionine at codon 480 is replaced by threonine, an amino acid with similar properties. This variant was reported in an epilepsy genetic testing cohort; however, clinical details were limited (Li X et al. Ann Hum Genet, 2020 03;84:161-168). This amino acid position is poorly conserved in available vertebrate species. In addition, the in silico prediction for this alteration is inconclusive. Since supporting evidence is limited at this time, the clinical significance of this alteration remains unclear.

Literature cited by the submitters: PubMed 31696929 (cited by Color Diagnostics, LLC DBA Color Health and Ambry Genetics).